The following is an entry in ClinVar:

NM_003995.4(NPR2):c.2965C>T (p.Arg989Ter)

Genes: NPR2 (natriuretic peptide receptor 2; plus strand), SPAG8 (sperm associated antigen 8; minus strand). Cytogenetic location: 9p13.3.
Variant type: single nucleotide variant.
Coding change: c.2965C>T on transcript NM_003995.4 (MANE Select); coding-DNA position 2965, C replaced by T.
Protein change: p.Arg989Ter; replaces arginine 989 with a stop codon.
Molecular consequence: nonsense. On other transcripts: intron variant (2).
Genome position (GRCh38, 1-based): chr9:35,808,832, C>T. VCF-style: chr9-35808832-C-T. GRCh37 (hg19) VCF-style: chr9-35808829-C-T.
Other names: c.2974C>T, p.Arg992Ter (NM_001378923.1); c.1201-526G>A (NM_001366760.2); c.1373-526G>A (NM_172312.2); short protein forms R989*, R992*.
Identifiers: ClinVar variation 2183283 (VCV002183283.4), dbSNP rs2491077769, ClinGen allele CA373386180.

ClinVar aggregate classification (germline): Pathogenic (1 of 4 stars; one submission).

Conditions:
Acromesomelic dysplasia 1, Maroteaux type (AMD1). Also called: ST. HELENA DYSPLASIA; ACROMESOMELIC DYSPLASIA 1. Identifiers: Orphanet 40, MedGen C1864356, MONDO:0011275, OMIM 602875.
Tall stature-scoliosis-macrodactyly of the great toes syndrome. Also called: Epiphyseal chondrodysplasia, miura type. Identifiers: Orphanet 329191, MedGen C4014690, MONDO:0014401, OMIM 615923.

Submission:

Labcorp Genetics (formerly Invitae), Labcorp
Classification: Pathogenic for Tall stature-scoliosis-macrodactyly of the great toes syndrome; Acromesomelic dysplasia 1, Maroteaux type. Last evaluated: 2022-12-07. Review status: criteria provided, single submitter. Criteria: Invitae Variant Classification Sherloc (09022015). Collection method: clinical testing. Allele origin: germline.
Comment: For these reasons, this variant has been classified as Pathogenic. This premature translational stop signal has been observed in individual(s) with acromesomelic dysplasia, Maroteaux type (PMID: 30359775). It has also been observed to segregate with disease in related individuals. This variant is not present in population databases (gnomAD no frequency). This sequence change creates a premature translational stop signal (p.Arg989*) in the NPR2 gene. It is expected to result in an absent or disrupted protein product. Loss-of-function variants in NPR2 are known to be pathogenic (PMID: 15146390, 15572448, 16384845).

Literature cited by the submitters: PubMed 30359775; PubMed 15146390; PubMed 15572448; PubMed 16384845.